The following is an entry in ClinVar:

NM_024417.5(FDXR):c.724C>T (p.Arg242Trp)

Gene: FDXR (ferredoxin reductase; minus strand). Cytogenetic location: 17q25.1.
Variant type: single nucleotide variant.
Coding change: c.724C>T on transcript NM_024417.5 (MANE Select); coding-DNA position 724, C replaced by T.
Protein change: p.Arg242Trp; replaces arginine 242 with tryptophan.
Molecular consequence: missense variant. On other transcripts: non-coding transcript variant (1).
Genome position (GRCh38, 1-based): chr17:74,864,558, G>A on the plus strand (C>T on the coding strand, the complement: FDXR is on the minus strand). VCF-style: chr17-74864558-G-A. GRCh37 (hg19) VCF-style: chr17-72860680-G-A.
Other names: c.604C>T, p.Arg202Trp (NM_001258015.3); c.568C>T, p.Arg190Trp (NM_001258016.3); c.742C>T, p.Arg248Trp (NM_004110.6); c.853C>T, p.Arg285Trp (NM_001258012.4); c.817C>T, p.Arg273Trp (NM_001258013.4); c.700C>T, p.Arg234Trp (NM_001258014.4); short protein forms R190W, R202W, R234W, R242W, R248W, R273W, R285W.
Identifiers: ClinVar variation 2629406 (VCV002629406.1), dbSNP rs757375278, ClinGen allele CA400969352.

ClinVar aggregate classification (germline): Uncertain significance (1 of 4 stars; one submission).

Conditions:
FDXR-related disorder. Also called: FDXR-related disorders; FDXR-related condition.

Allele frequency attached by ClinVar (database versions not stated): TOPMed below 0.00001; gnomAD 0.00001.
gnomAD v4.1: 14 of 1,613,580 alleles (0.00087%); highest among the groups gnomAD compares: East Asian, 0.0067%; no homozygotes.

Submission:

PreventionGenetics, part of Exact Sciences
Classification: Uncertain significance for FDXR-related condition. Last evaluated: 2023-07-14. Review status: criteria provided, single submitter. Criteria: ACMG Guidelines, 2015. Collection method: clinical testing. Allele origin: germline.
Comment: The FDXR c.724C>T variant is predicted to result in the amino acid substitution p.Arg242Trp. This variant was reported in the compound heterozygous state along with a second potentially disease causing variant in two patients with auditory neuropathy or hearing loss, retinitis pigmentosa and/or optic atrophy (Paul. 2017. PubMed ID: 28965846; Jurkute. 2021. PubMed ID: 33938912). This variant is reported in 0.0040% of alleles in individuals of European (Finnish) descent in gnomAD. At this time, the clinical significance of this variant is uncertain due to the absence of conclusive functional and genetic evidence.